The following is an entry in ClinVar:

ClinVar aggregate classification (germline): Uncertain significance. Review status: criteria provided, multiple submitters, no conflicts (2 of 4 stars). 2 submissions from 2 submitters: Uncertain significance (2). Last evaluated 2024-10-05.

Conditions:
Inborn genetic diseases. Identifiers: MedGen C0950123, MeSH D030342.

Submissions (2):

Ambry Genetics
Classification: Uncertain significance for Inborn genetic diseases. Last evaluated: 2024-10-05. Review status: criteria provided, single submitter. Criteria: Ambry Variant Classification Scheme 2023. Collection method: clinical testing. Allele origin: germline.
Comment: The p.L66F variant (also known as c.196C>T), located in coding exon 1 of the ANKRD26 gene, results from a C to T substitution at nucleotide position 196. The leucine at codon 66 is replaced by phenylalanine, an amino acid with highly similar properties. This amino acid position is conserved. In addition, this alteration is predicted to be tolerated by in silico analysis. Based on the available evidence, the clinical significance of this variant remains unclear.

GeneDx
Classification: Uncertain significance. Last evaluated: 2024-02-23. Review status: criteria provided, single submitter. Criteria: GeneDx Variant Classification Process June 2021. Collection method: clinical testing. Allele origin: germline. Affected: yes.
Comment: Not observed at significant frequency in large population cohorts (gnomAD); In silico analysis supports that this missense variant does not alter protein structure/function; Has not been previously published as pathogenic or benign to our knowledge

NM_014915.3(ANKRD26):c.196C>T (p.Leu66Phe)

Gene: ANKRD26 (ankyrin repeat domain containing 26; minus strand). Cytogenetic location: 10p12.1.
Variant type: single nucleotide variant.
Coding change: c.196C>T on transcript NM_014915.3 (MANE Select); coding-DNA position 196, C replaced by T.
Protein change: p.Leu66Phe; replaces leucine 66 with phenylalanine.
Molecular consequence: missense variant.
Genome position (GRCh38, 1-based): chr10:27,100,131, G>A on the plus strand (C>T on the coding strand, the complement: ANKRD26 is on the minus strand). VCF-style: chr10-27100131-G-A. GRCh37 (hg19) VCF-style: chr10-27389060-G-A.
Other names: c.196C>T, p.Leu66Phe (NM_001256053.2); short protein forms L66F.
Identifiers: ClinVar variation 3340654 (VCV003340654.2).